The following is an entry in ClinVar:

ClinVar aggregate classification (germline): Conflicting classifications of pathogenicity. Review status: criteria provided, conflicting classifications (1 of 4 stars). 2 submissions from 2 submitters: Uncertain significance (1); Likely benign (1). Last evaluated 2025-05-25.

Conditions:
Cardiovascular phenotype. Identifiers: MedGen CN230736.
Alstrom syndrome (ALMS). Identifiers: Orphanet 64, MedGen C0268425, MONDO:0008763, OMIM 203800.

Allele frequency attached by ClinVar (database versions not stated): ExAC 0.00002; gnomAD exomes 0.00002.

Submissions (2):

Labcorp Genetics (formerly Invitae), Labcorp
Classification: Uncertain significance for Alstrom syndrome. Last evaluated: 2025-05-25. Review status: criteria provided, single submitter. Criteria: Invitae Variant Classification Sherloc (09022015). Collection method: clinical testing. Allele origin: germline.
Comment: This sequence change replaces asparagine, which is neutral and polar, with serine, which is neutral and polar, at codon 126 of the ALMS1 protein (p.Asn126Ser). This variant is present in population databases (rs781738812, gnomAD 0.003%). This variant has not been reported in the literature in individuals affected with ALMS1-related conditions. ClinVar contains an entry for this variant (Variation ID: 1734824). Experimental studies and prediction algorithms are not available or were not evaluated, and the functional significance of this variant is currently unknown. In summary, the available evidence is currently insufficient to determine the role of this variant in disease. Therefore, it has been classified as a Variant of Uncertain Significance.

Ambry Genetics
Classification: Likely benign for Cardiovascular phenotype. Last evaluated: 2025-04-01. Review status: criteria provided, single submitter. Criteria: Ambry Variant Classification Scheme 2023. Collection method: clinical testing. Allele origin: germline.

NM_001378454.1(ALMS1):c.374A>G (p.Asn125Ser)

Gene: ALMS1 (ALMS1 centrosome and basal body associated protein; plus strand). Cytogenetic location: 2p13.1.
Variant type: single nucleotide variant.
Coding change: c.374A>G on transcript NM_001378454.1 (MANE Select); coding-DNA position 374, A replaced by G.
Protein change: p.Asn125Ser; replaces asparagine 125 with serine.
Molecular consequence: missense variant.
Genome position (GRCh38, 1-based): chr2:73,408,671, A>G. VCF-style: chr2-73408671-A-G. GRCh37 (hg19) VCF-style: chr2-73635799-A-G.
Other names: c.377A>G, p.Asn126Ser (NM_015120.4); short protein forms N125S, N126S.
Identifiers: ClinVar variation 1734824 (VCV001734824.4), dbSNP rs781738812, ClinGen allele CA1712823.